The following is an entry in ClinVar:

ClinVar aggregate classification (germline): Likely benign (0 of 4 stars; one submission).

Conditions:
BRSK2-related disorder. Also called: BRSK2-related condition; BRSK2-Related Disorders.

gnomAD v4.1: 102 of 1,581,532 alleles (0.0064%); highest among the groups gnomAD compares: Middle Eastern, 0.017%; no homozygotes.

Submission:

PreventionGenetics, part of Exact Sciences
Classification: Likely benign for BRSK2-related condition. Last evaluated: 2024-09-04. Review status: no assertion criteria provided. Collection method: clinical testing. Allele origin: germline.
Comment: This variant is classified as likely benign based on ACMG/AMP sequence variant interpretation guidelines (Richards et al. 2015 PMID: 25741868, with internal and published modifications).

NM_001256627.2(BRSK2):c.291C>T (p.His97=)

Gene: BRSK2 (BR serine/threonine kinase 2; plus strand). Cytogenetic location: 11p15.5.
Variant type: single nucleotide variant.
Coding change: c.291C>T on transcript NM_001256627.2 (MANE Select); coding-DNA position 291, C replaced by T.
Protein change: p.His97=; no amino-acid change (histidine 97 retained).
Molecular consequence: synonymous variant. On other transcripts: non-coding transcript variant (1).
Genome position (GRCh38, 1-based): chr11:1,440,806, C>T. VCF-style: chr11-1440806-C-T. GRCh37 (hg19) VCF-style: chr11-1462036-C-T.
Other names: c.291C>T, p.His97= (NM_001256629.2, NM_003957.4); c.429C>T, p.His143= (NM_001256630.1); c.111C>T, p.His37= (NM_001282218.2).
Identifiers: ClinVar variation 3353939 (VCV003353939.1).
Genomic context (GRCh38, chr11:1,440,806, plus strand): 5'-GGCAGCCACAGCTGGGCGCACTGGTGGCCCCGTCTCCTGCAGGTACCTGGTGCTAGAACA[C>T]GTGTCAGGTGGTGAGCTCTTCGACTACCTGGTGAAGAAGGGGAGGCTGACGCCTAAGGAG-3'
Protein context (NP_001243556.1, residues 87-107): NKKYLYLVLE[His97=]VSGGELFDYL